The following is an entry in ClinVar:

NM_006767.4(LZTR1):c.1378_1381del (p.Val460fs)

Gene: LZTR1 (leucine zipper like post translational regulator 1; plus strand). Cytogenetic location: 22q11.21.
Variant type: Deletion.
Coding change: c.1378_1381del on transcript NM_006767.4 (MANE Select); coding-DNA positions 1378 to 1381, 4 bases deleted (GTAG; older notation c.1378_1381delGTAG).
Protein change: p.Val460fs; shifts the reading frame from valine 460.
Molecular consequence: frameshift variant.
Genome position (GRCh38, 1-based): chr22:20,993,948-20,993,951, GTAG deleted. VCF-style (leftmost placement, unchanged base first): chr22-20993947-CGTAG-C. GRCh37 (hg19) VCF-style: chr22-21348236-CGTAG-C.
Other names: short protein forms V460fs.
Identifiers: ClinVar variation 4615662 (VCV004615662.1).

ClinVar aggregate classification (germline): Pathogenic (1 of 4 stars; one submission).

Conditions:
Cardiovascular phenotype. Identifiers: MedGen CN230736.
Hereditary cancer-predisposing syndrome. Also called: Neoplastic Syndromes, Hereditary; Tumor predisposition; Hereditary Cancer Syndrome; Hereditary neoplastic syndrome. Identifiers: Orphanet 140162, MedGen C0027672, MeSH D009386, MONDO:0015356.

Submission:

Ambry Genetics
Classification: Pathogenic for Cardiovascular phenotype; Hereditary cancer-predisposing syndrome. Last evaluated: 2025-12-02. Review status: criteria provided, single submitter. Criteria: Ambry Variant Classification Scheme 2023. Collection method: clinical testing. Allele origin: germline.
Comment: The c.1378_1381delGTAG pathogenic mutation, located in coding exon 13 of the LZTR1 gene, results from a deletion of 4 nucleotides at nucleotide positions 1378 to 1381, causing a translational frameshift with a predicted alternate stop codon (p.V460Pfs*95). This variant is considered to be rare based on population cohorts in the Genome Aggregation Database (gnomAD). This alteration is expected to result in loss of function by premature protein truncation or nonsense-mediated mRNA decay. Loss-of-function variants in LZTR1 are related to an increased risk for schwannomas and autosomal recessive Noonan syndrome; however, such associations with autosomal dominant Noonan syndrome have not been observed (Piotrowski A et al. Nat Genet. 2014 Feb;46:182-7; Yamamoto GL et al. J Med Genet. 2015 Jun;52:413-21; Johnston JJ et al. Genet Med. 2018 10;20:1175-1185). Based on the supporting evidence, this variant is pathogenic for an increased risk of LZTR1-related schwannomatosis (SWN) and would be expected to cause autosomal recessive Noonan syndrome when present along with a second pathogenic or likely pathogenic variant on the other allele; however, the association of this alteration with autosomal dominant Noonan syndrome is unlikely.